The following is an entry in ClinVar:

NM_018297.4(NGLY1):c.247-2A>G

Gene: NGLY1 (N-glycanase 1; minus strand). Cytogenetic location: 3p24.2.
Variant type: single nucleotide variant.
Coding change: c.247-2A>G on transcript NM_018297.4 (MANE Select); the canonical splice acceptor site of the intron before coding-DNA position 247, A replaced by G.
Molecular consequence: splice acceptor variant.
Genome position (GRCh38, 1-based): chr3:25,764,313, T>C on the plus strand (A>G on the coding strand, the complement: NGLY1 is on the minus strand). VCF-style: chr3-25764313-T-C. GRCh37 (hg19) VCF-style: chr3-25805804-T-C.
Other names: c.121-2A>G (NM_001145294.2); c.247-2A>G (NM_001145295.2, NM_001145293.2).
Identifiers: ClinVar variation 2907338 (VCV002907338.4), dbSNP rs2470675769, ClinGen allele CA351909851.

ClinVar aggregate classification (germline): Pathogenic (1 of 4 stars; one submission).

Conditions:
Congenital disorder of deglycosylation (CDDG). Identifiers: MedGen C3808991, MONDO:0031376.

Submission:

Labcorp Genetics (formerly Invitae), Labcorp
Classification: Pathogenic for Congenital disorder of deglycosylation. Last evaluated: 2023-09-17. Review status: criteria provided, single submitter. Criteria: Invitae Variant Classification Sherloc (09022015). Collection method: clinical testing. Allele origin: germline.
Comment: This variant is not present in population databases (gnomAD no frequency). This sequence change affects an acceptor splice site in intron 2 of the NGLY1 gene. It is expected to disrupt RNA splicing. Variants that disrupt the donor or acceptor splice site typically lead to a loss of protein function (PMID: 16199547), and loss-of-function variants in NGLY1 are known to be pathogenic (PMID: 24651605). Disruption of this splice site has been observed in individual(s) with congenital disorder of glycosylation type 1V (PMID: 31311714). It has also been observed to segregate with disease in related individuals. Algorithms developed to predict the effect of sequence changes on RNA splicing suggest that this variant may disrupt the consensus splice site. For these reasons, this variant has been classified as Pathogenic.

Literature cited by the submitters: PubMed 16199547; PubMed 24651605; PubMed 31311714.